The following is an entry in ClinVar:

NM_001127392.3(MYRF):c.1394_1397delinsCGA (p.Asn465fs)

Gene: MYRF (myelin regulatory factor; plus strand). Cytogenetic location: 11q12.2.
Variant type: Indel.
Coding change: c.1394_1397delinsCGA on transcript NM_001127392.3 (MANE Select); coding-DNA positions 1394 to 1397, ATCT replaced by CGA.
Protein change: p.Asn465fs; shifts the reading frame from asparagine 465.
Molecular consequence: frameshift variant.
Genome position (GRCh38, 1-based): chr11:61,776,327-61,776,330, ATCT replaced by CGA. VCF-style: chr11-61776327-ATCT-CGA. GRCh37 (hg19) VCF-style: chr11-61543799-ATCT-CGA.
Other names: c.1367_1370delinsCGA, p.Asn456fs (NM_013279.4); short protein forms N456fs, N465fs.
Identifiers: ClinVar variation 4888340 (VCV004888340.1).

ClinVar aggregate classification (germline): Pathogenic (1 of 4 stars; one submission).

Conditions:
Cardiac-urogenital syndrome (CUGS). Also called: MYRF-Related Cardiac Urogenital Syndrome. Identifiers: Orphanet 647811, MedGen C4748946, MONDO:0032653, OMIM 618280.

Submission:

New York Genome Center
Classification: Pathogenic for Cardiac-urogenital syndrome. Last evaluated: 2023-07-13. Review status: criteria provided, single submitter. Criteria: NYGC Assertion Criteria 2020. Collection method: clinical testing. Allele origin: de novo. Affected: yes. Observed: 1 variant allele, 1 heterozygote.
Comment: The de novo heterozygous c.1394_1397delinsCGA variant in MYRF has not previously been reported in the literature or public variant repositories (ClinVar and LOVD) and is absent from population databases (gnomAD v2.1.1 and v3.1.2, TOPMed Freeze 8, All of Us), suggesting it is not a common benign variant in the populations represented in those databases. The c.1394_1397delinsCGA variant in MYRF is located in exon 10 of this 27-exon gene, alters the wildtype translational reading frameand incorporates a premature translation termination codon p.(Asn465ThrfsTer10), and is expected to result in loss-of-function either through protein truncation or nonsense-mediated mRNA decay. Predicted loss-of-function variant downstream of the c.1394_1397delinsCGA has been reported in the literature [PMID: 31069960] and ClinVar [#635275] in an individual with MYRF-related cardiac-urogenital syndrome. Based on available evidence this de novo heterozygousc.1394_1397delinsCGA, p.(Asn465ThrfsTer10) variant in MYRF is reported as Pathogenic.